The following is an entry in ClinVar:

ClinVar aggregate classification (germline): Uncertain significance. Review status: criteria provided, multiple submitters, no conflicts (2 of 4 stars). 2 submissions from 2 submitters: Uncertain significance (2). Last evaluated 2026-08-01.

Conditions:
Pyogenic arthritis-pyoderma gangrenosum-acne syndrome (PAPA). Also called: FAMILIAL RECURRENT ARTHRITIS; PAPA SYNDROME. Identifiers: Orphanet 69126, MedGen C1858361, MONDO:0011462, OMIM 604416.

gnomAD v4.1: 11 of 1,608,420 alleles (0.00068%); highest among the groups gnomAD compares: South Asian, 0.0099%; no homozygotes.

Submissions (2):

CeGaT Center for Human Genetics Tuebingen
Classification: Uncertain significance. Last evaluated: 2026-08-01. Review status: criteria provided, single submitter. Criteria: CeGaT Center For Human Genetics Tuebingen Variant Classification Criteria Version 2. Collection method: clinical testing. Allele origin: germline. Affected: yes. Observed: 1 variant allele.

Labcorp Genetics (formerly Invitae), Labcorp
Classification: Uncertain significance for Pyogenic arthritis-pyoderma gangrenosum-acne syndrome. Last evaluated: 2024-11-25. Review status: criteria provided, single submitter. Criteria: Invitae Variant Classification Sherloc (09022015). Collection method: clinical testing. Allele origin: germline.
Comment: This sequence change replaces histidine, which is basic and polar, with glutamine, which is neutral and polar, at codon 209 of the PSTPIP1 protein (p.His209Gln). The frequency data for this variant in the population databases is considered unreliable, as metrics indicate poor data quality at this position in the gnomAD database. This variant has not been reported in the literature in individuals affected with PSTPIP1-related conditions. Invitae Evidence Modeling of protein sequence and biophysical properties (such as structural, functional, and spatial information, amino acid conservation, physicochemical variation, residue mobility, and thermodynamic stability) indicates that this missense variant is expected to disrupt PSTPIP1 protein function with a positive predictive value of 80%. In summary, the available evidence is currently insufficient to determine the role of this variant in disease. Therefore, it has been classified as a Variant of Uncertain Significance.

NM_003978.5(PSTPIP1):c.627C>A (p.His209Gln)

Gene: PSTPIP1 (proline-serine-threonine phosphatase interacting protein 1; plus strand). Cytogenetic location: 15q24.3.
Variant type: single nucleotide variant.
Coding change: c.627C>A on transcript NM_003978.5 (MANE Select); coding-DNA position 627, C replaced by A.
Protein change: p.His209Gln; replaces histidine 209 with glutamine.
Molecular consequence: missense variant.
Genome position (GRCh38, 1-based): chr15:77,030,566, C>A. VCF-style: chr15-77030566-C-A. GRCh37 (hg19) VCF-style: chr15-77322907-C-A.
Other names: c.627C>A, p.His209Gln (NM_001321135.2, NM_001411086.1); c.600C>A, p.His200Gln (NM_001321136.2); c.822C>A, p.His274Gln (NM_001321137.1); short protein forms H200Q, H209Q, H274Q.
Identifiers: ClinVar variation 3610532 (VCV003610532.3).